The following is an entry in ClinVar:

NM_000423.3(KRT2):c.1289G>A (p.Arg430His)

Gene: KRT2 (keratin 2; minus strand). Cytogenetic location: 12q13.13.
Variant type: single nucleotide variant.
Coding change: c.1289G>A on transcript NM_000423.3 (MANE Select); coding-DNA position 1289, G replaced by A.
Protein change: p.Arg430His; replaces arginine 430 with histidine.
Molecular consequence: missense variant.
Genome position (GRCh38, 1-based): chr12:52,646,920, C>T on the plus strand (G>A on the coding strand, the complement: KRT2 is on the minus strand). VCF-style: chr12-52646920-C-T. GRCh37 (hg19) VCF-style: chr12-53040704-C-T.
Other names: short protein forms R430H.
Identifiers: ClinVar variation 309604 (VCV000309604.12), dbSNP rs2232557, ClinGen allele CA6585510.

ClinVar aggregate classification (germline): Benign. Review status: criteria provided, multiple submitters, no conflicts (2 of 4 stars). 2 submissions from 2 submitters: Benign (2). Last evaluated 2023-12-12.

Conditions:
Ichthyosis bullosa of Siemens (IBS). Also called: Superficial epidermolytic ichthyosis. Identifiers: Orphanet 455, MedGen C0432306, MONDO:0007813, OMIM 146800.

Allele frequency attached by ClinVar (database versions not stated): 1000 Genomes Project 0.00060; 1000 Genomes Project 30x 0.00094; ESP Exome Variant Server 0.00108; gnomAD 0.00111 and 0.00123; TOPMed 0.00121.

Submissions (2):

Labcorp Genetics (formerly Invitae), Labcorp
Classification: Benign. Last evaluated: 2023-12-12. Review status: criteria provided, single submitter. Criteria: Invitae Variant Classification Sherloc (09022015). Collection method: clinical testing. Allele origin: germline.

Illumina Laboratory Services, Illumina
Classification: Benign for Ichthyosis bullosa of Siemens. Last evaluated: 2018-01-13. Review status: criteria provided, single submitter. Criteria: ICSL Variant Classification Criteria 13 December 2019. Collection method: clinical testing. Allele origin: germline.
Comment: This variant was observed in the ICSL laboratory as part of a predisposition screen in an ostensibly healthy population. It had not been previously curated by ICSL or reported in the Human Gene Mutation Database (HGMD: prior to June 1st, 2018), and was therefore a candidate for classification through an automated scoring system. Utilizing variant allele frequency, disease prevalence and penetrance estimates, and inheritance mode, an automated score was calculated to assess if this variant is too frequent to cause the disease. Based on the score and internal cut-off values, a variant classified as benign is not then subjected to further curation. The score for this variant resulted in a classification of benign for this disease.